The following is an entry in ClinVar:

ClinVar aggregate classification (germline): Conflicting classifications of pathogenicity. Review status: criteria provided, conflicting classifications (1 of 4 stars). 3 submissions from 3 submitters: Uncertain significance (1); Likely benign (1). 1 of the submissions does not count toward it. Last evaluated 2024-11-20.

Conditions:
CPT1C-related disorder. Also called: CPT1C-related condition.
Hereditary spastic paraplegia 73. Also called: Spastic paraplegia 73, autosomal dominant. Identifiers: Orphanet 444099, MedGen C5568981, MONDO:0014568, OMIM 616282.

Allele frequency attached by ClinVar (database versions not stated): 1000 Genomes Project 30x 0.00016; 1000 Genomes Project 0.00020; ExAC 0.00028; TOPMed 0.00028; gnomAD exomes 0.00035; ESP Exome Variant Server 0.00038; gnomAD 0.00048 and 0.00051.
gnomAD v4.1: 1,150 of 1,614,046 alleles (0.071%); highest among the groups gnomAD compares: Non-Finnish European, 0.094%; 2 homozygotes.

Submissions (3):

Labcorp Genetics (formerly Invitae), Labcorp
Classification: Likely benign for Hereditary spastic paraplegia 73. Last evaluated: 2024-11-20. Review status: criteria provided, single submitter. Criteria: Invitae Variant Classification Sherloc (09022015). Collection method: clinical testing. Allele origin: germline.

Ambry Genetics
Classification: Uncertain significance. Last evaluated: 2021-06-18. Review status: criteria provided, single submitter. Criteria: Ambry Variant Classification Scheme 2023. Collection method: clinical testing. Allele origin: germline.

PreventionGenetics, part of Exact Sciences
Classification: Likely benign for CPT1C-related condition. Last evaluated: 2023-07-24. Review status: no assertion criteria provided. Collection method: clinical testing. Allele origin: germline. Not counted in ClinVar's aggregate classification.
Comment: This variant is classified as likely benign based on ACMG/AMP sequence variant interpretation guidelines (Richards et al. 2015 PMID: 25741868, with internal and published modifications).

NM_001199753.2(CPT1C):c.2059C>G (p.Pro687Ala)

Gene: CPT1C (carnitine palmitoyltransferase 1C; plus strand). Cytogenetic location: 19q13.33.
Variant type: single nucleotide variant.
Coding change: c.2059C>G on transcript NM_001199753.2 (MANE Select); coding-DNA position 2059, C replaced by G.
Protein change: p.Pro687Ala; replaces proline 687 with alanine.
Molecular consequence: missense variant. On other transcripts: non-coding transcript variant (1).
Genome position (GRCh38, 1-based): chr19:49,712,775, C>G. VCF-style: chr19-49712775-C-G. GRCh37 (hg19) VCF-style: chr19-50216032-C-G.
Other names: c.2059C>G (NM_001199752.1); c.2026C>G, p.Pro676Ala (NM_001136052.3, NM_001378485.1); c.2059C>G, p.Pro687Ala (NM_001199752.3, NM_001378483.1, NM_001378484.1 and 1 more transcripts); c.2125C>G, p.Pro709Ala (NM_001378482.1); c.1924C>G, p.Pro642Ala (NM_001378486.1, NM_001378488.1); c.1891C>G, p.Pro631Ala (NM_001378487.1); short protein forms P687A, P676A, P709A, P631A, P642A.
Identifiers: ClinVar variation 542768 (VCV000542768.12), dbSNP rs200190780, ClinGen allele CA9582404.
Genomic context (GRCh38, chr19:49,712,775, plus strand): 5'-GTGATGGGCTCCTGTCCTCAGGTCCATTCGGAGCAGTGGCAGCTGTCCACCAGCCAGATC[C>G]CTGTTCAGCAAATGCATCTGTTTGACGTCCACAATTACCCGGACTATGTTTCCTCAGGCG-3'
Protein context (NP_001186682.1, residues 677-697): EQWQLSTSQI[Pro687Ala]VQQMHLFDVH